The following is an entry in ClinVar:

ClinVar aggregate classification (germline): Uncertain significance. Review status: criteria provided, multiple submitters, no conflicts (2 of 4 stars). 2 submissions from 2 submitters: Uncertain significance (2). Last evaluated 2022-03-07.

Conditions:
Hereditary cancer-predisposing syndrome. Also called: Neoplastic Syndromes, Hereditary; Hereditary Cancer Syndrome; Tumor predisposition; Hereditary neoplastic syndrome. Identifiers: Orphanet 140162, MedGen C0027672, MeSH D009386, MONDO:0015356.
Familial adenomatous polyposis 1 (FAP1). Also called: FAMILIAL ADENOMATOUS POLYPOSIS 1, ATTENUATED; POLYPOSIS, ADENOMATOUS INTESTINAL. Identifiers: MedGen C2713442, MONDO:0021056, OMIM 175100. Disease mechanism: loss of function.

Submissions (2):

Labcorp Genetics (formerly Invitae), Labcorp
Classification: Uncertain significance for Familial adenomatous polyposis 1. Last evaluated: 2022-03-07. Review status: criteria provided, single submitter. Criteria: Invitae Variant Classification Sherloc (09022015). Collection method: clinical testing. Allele origin: germline.
Comment: This sequence change replaces lysine, which is basic and polar, with asparagine, which is neutral and polar, at codon 957 of the APC protein (p.Lys957Asn). In summary, the available evidence is currently insufficient to determine the role of this variant in disease. Therefore, it has been classified as a Variant of Uncertain Significance. Algorithms developed to predict the effect of missense changes on protein structure and function are either unavailable or do not agree on the potential impact of this missense change (SIFT: "Deleterious"; PolyPhen-2: "Benign"; Align-GVGD: "Class C0"). ClinVar contains an entry for this variant (Variation ID: 927740). This variant has not been reported in the literature in individuals affected with APC-related conditions. This variant is not present in population databases (gnomAD no frequency).

Color Diagnostics, LLC DBA Color Health
Classification: Uncertain significance for Hereditary cancer-predisposing syndrome. Last evaluated: 2019-01-10. Review status: criteria provided, single submitter. Criteria: ACMG Guidelines, 2015. Collection method: clinical testing. Allele origin: germline.

NM_000038.6(APC):c.2871G>C (p.Lys957Asn)

Gene: APC (APC regulator of Wnt signaling pathway; plus strand). Cytogenetic location: 5q22.2.
Variant type: single nucleotide variant.
Coding change: c.2871G>C on transcript NM_000038.6 (MANE Select); coding-DNA position 2871, G replaced by C.
Protein change: p.Lys957Asn; replaces lysine 957 with asparagine.
Molecular consequence: missense variant.
Genome position (GRCh38, 1-based): chr5:112,838,465, G>C. VCF-style: chr5-112838465-G-C. GRCh37 (hg19) VCF-style: chr5-112174162-G-C.
Other names: c.2871G>C, p.Lys957Asn (NM_001127510.3, NM_001354895.2); c.2817G>C, p.Lys939Asn (NM_001127511.3); c.2925G>C, p.Lys975Asn (NM_001354896.2); c.2901G>C, p.Lys967Asn (NM_001354897.2); c.2796G>C, p.Lys932Asn (NM_001354898.2); c.2787G>C, p.Lys929Asn (NM_001354899.2); c.2748G>C, p.Lys916Asn (NM_001354900.2); c.2694G>C, p.Lys898Asn (NM_001354901.2); and 5 more; short protein forms K797N, K932N, K975N, K957N, K674N, K898N, K939N, K967N.
Identifiers: ClinVar variation 927740 (VCV000927740.10), dbSNP rs1765285772, ClinGen allele CA16027594.
Genomic context (GRCh38, chr5:112,838,465, plus strand): 5'-CACTAAGTCGGAAAATTCAAATAGGACATGTTCTATGCCTTATGCCAAATTAGAATACAA[G>C]AGATCTTCAAATGATAGTTTAAATAGTGTCAGTAGTAGTGATGGTTATGGTAAAAGAGGT-3'
Protein context (NP_000029.2, residues 947-967): CSMPYAKLEY[Lys957Asn]RSSNDSLNSV